The following is an entry in ClinVar:

ClinVar aggregate classification (germline): Uncertain significance (1 of 4 stars; one submission).

Allele frequency attached by ClinVar (database versions not stated): TOPMed below 0.00001; ESP Exome Variant Server 0.00008.
gnomAD v4.1: 2 of 1,613,042 alleles (0.00012%); highest among the groups gnomAD compares: Non-Finnish European, 0.00017%; no homozygotes.

Submission:

Labcorp Genetics (formerly Invitae), Labcorp
Classification: Uncertain significance. Last evaluated: 2022-10-04. Review status: criteria provided, single submitter. Criteria: Invitae Variant Classification Sherloc (09022015). Collection method: clinical testing. Allele origin: germline.
Comment: In summary, the available evidence is currently insufficient to determine the role of this variant in disease. Therefore, it has been classified as a Variant of Uncertain Significance. Algorithms developed to predict the effect of missense changes on protein structure and function are either unavailable or do not agree on the potential impact of this missense change (SIFT: "Tolerated"; PolyPhen-2: "Not Available"; Align-GVGD: "Class C0"). This variant has not been reported in the literature in individuals affected with MICU1-related conditions. This variant is not present in population databases (gnomAD no frequency). This sequence change replaces phenylalanine, which is neutral and non-polar, with leucine, which is neutral and non-polar, at codon 38 of the MICU1 protein (p.Phe38Leu).

NM_001195518.2(MICU1):c.114C>G (p.Phe38Leu)

Gene: MICU1 (mitochondrial calcium uptake 1; minus strand). Cytogenetic location: 10q22.1.
Variant type: single nucleotide variant.
Coding change: c.114C>G on transcript NM_001195518.2 (MANE Select); coding-DNA position 114, C replaced by G.
Protein change: p.Phe38Leu; replaces phenylalanine 38 with leucine.
Molecular consequence: missense variant.
Genome position (GRCh38, 1-based): chr10:72,566,680, G>C on the plus strand (C>G on the coding strand, the complement: MICU1 is on the minus strand). VCF-style: chr10-72566680-G-C. GRCh37 (hg19) VCF-style: chr10-74326438-G-C.
Other names: c.114C>G, p.Phe38Leu (NM_001363513.2, NM_006077.4); short protein forms F38L.
Identifiers: ClinVar variation 2097645 (VCV002097645.4), dbSNP rs376419431, ClinGen allele CA209805922.